The following is an entry in ClinVar:

NM_000632.4(ITGAM):c.3230C>A (p.Ser1077Tyr)

Gene: ITGAM (integrin subunit alpha M; plus strand). Cytogenetic location: 16p11.2.
Variant type: single nucleotide variant.
Coding change: c.3230C>A on transcript NM_000632.4 (MANE Select); coding-DNA position 3230, C replaced by A.
Protein change: p.Ser1077Tyr; replaces serine 1077 with tyrosine.
Molecular consequence: missense variant.
Genome position (GRCh38, 1-based): chr16:31,330,559, C>A. VCF-style: chr16-31330559-C-A. GRCh37 (hg19) VCF-style: chr16-31341880-C-A.
Other names: c.3233C>A, p.Ser1078Tyr (NM_001145808.2); c.3230C>A (NM_000632.3); short protein forms S1077Y, S1078Y.
Identifiers: ClinVar variation 1375284 (VCV001375284.8), dbSNP rs367692179, ClinGen allele CA8026123.

ClinVar aggregate classification (germline): Uncertain significance. Review status: criteria provided, multiple submitters, no conflicts (2 of 4 stars). 2 submissions from 2 submitters: Uncertain significance (2). Last evaluated 2025-10-07.

Allele frequency attached by ClinVar (database versions not stated): gnomAD exomes 0.00005; ExAC 0.00007; gnomAD 0.00011 and 0.00014; TOPMed 0.00011; ESP Exome Variant Server 0.00024.
gnomAD v4.1: 33 of 1,613,142 alleles (0.002%); highest among the groups gnomAD compares: African/African-American, 0.04%; no homozygotes.

Submissions (2):

Ambry Genetics
Classification: Uncertain significance. Last evaluated: 2025-10-07. Review status: criteria provided, single submitter. Criteria: Ambry Variant Classification Scheme 2023. Collection method: clinical testing. Allele origin: germline.

Labcorp Genetics (formerly Invitae), Labcorp
Classification: Uncertain significance. Last evaluated: 2025-08-04. Review status: criteria provided, single submitter. Criteria: Invitae Variant Classification Sherloc (09022015). Collection method: clinical testing. Allele origin: germline.
Comment: This sequence change replaces serine, which is neutral and polar, with tyrosine, which is neutral and polar, at codon 1077 of the ITGAM protein (p.Ser1077Tyr). This variant is present in population databases (rs367692179, gnomAD 0.07%), and has an allele count higher than expected for a pathogenic variant. This variant has not been reported in the literature in individuals affected with ITGAM-related conditions. ClinVar contains an entry for this variant (Variation ID: 1375284). An algorithm developed to predict the effect of missense changes on protein structure and function (PolyPhen-2) suggests that this variant is likely to be disruptive. In summary, the available evidence is currently insufficient to determine the role of this variant in disease. Therefore, it has been classified as a Variant of Uncertain Significance.